The following is an entry in ClinVar:

NM_000152.5(GAA):c.1693C>T (p.Leu565Phe)

Gene: GAA (alpha glucosidase; plus strand). Cytogenetic location: 17q25.3.
Variant type: single nucleotide variant.
Coding change: c.1693C>T on transcript NM_000152.5 (MANE Select); coding-DNA position 1693, C replaced by T.
Protein change: p.Leu565Phe; replaces leucine 565 with phenylalanine.
Molecular consequence: missense variant.
Genome position (GRCh38, 1-based): chr17:80,112,039, C>T. VCF-style: chr17-80112039-C-T. GRCh37 (hg19) VCF-style: chr17-78085838-C-T.
Other names: c.1693C>T, p.Leu565Phe (NM_001079803.3, NM_001079804.3, NM_001406741.1 and 1 more transcripts); short protein forms L565F.
Identifiers: ClinVar variation 2102496 (VCV002102496.4), dbSNP rs2510378682, ClinGen allele CA401369007.

ClinVar aggregate classification (germline): Uncertain significance (1 of 4 stars; one submission).

Conditions:
Glycogen storage disease, type II (IOPD). Also called: Glycogen storage disease type 2; Acid maltase deficiency disease; Aglucosidase alfa; Deficiency of alpha-glucosidase; Deficiency of lysosomal alpha-glucosidase; Pompe Disease. Identifiers: Orphanet 365, MedGen C0017921, MONDO:0009290, OMIM 232300.

Submission:

Labcorp Genetics (formerly Invitae), Labcorp
Classification: Uncertain significance for Glycogen storage disease, type II. Last evaluated: 2022-02-23. Review status: criteria provided, single submitter. Criteria: Invitae Variant Classification Sherloc (09022015). Collection method: clinical testing. Allele origin: germline.
Comment: This sequence change replaces leucine, which is neutral and non-polar, with phenylalanine, which is neutral and non-polar, at codon 565 of the GAA protein (p.Leu565Phe). This variant is not present in population databases (gnomAD no frequency). This variant has not been reported in the literature in individuals affected with GAA-related conditions. Algorithms developed to predict the effect of missense changes on protein structure and function are either unavailable or do not agree on the potential impact of this missense change (SIFT: "Deleterious"; PolyPhen-2: "Possibly Damaging"; Align-GVGD: "Class C0"). In summary, the available evidence is currently insufficient to determine the role of this variant in disease. Therefore, it has been classified as a Variant of Uncertain Significance.